The following is an entry in ClinVar:

NM_019892.5(INPP5E):c.-7_2dup9

Gene: INPP5E (inositol polyphosphate-5-phosphatase E; minus strand). Cytogenetic location: 9q34.3.
Variant type: Duplication.
Coding change: c.-7_2dup9 on transcript NM_019892.5; 7 bases upstream of the start codon through coding-DNA position 2, 9 bases duplicated (ACCGTCCAT; older notation c.-7_2dup9ACCGTCCAT).
Genome position (GRCh38, 1-based): chr9:136,439,418-136,439,426, ATGGACGGT duplicated on the plus strand (ACCGTCCAT on the coding strand, the reverse complement: INPP5E is on the minus strand). VCF-style (leftmost placement, unchanged base first): chr9-136439417-C-CATGGACGGT. GRCh37 (hg19) VCF-style: chr9-139333869-C-CATGGACGGT.
Identifiers: ClinVar variation 1420605 (VCV001420605.6), dbSNP rs1489150239, ClinGen allele CA591186241.

ClinVar aggregate classification (germline): Uncertain significance. Review status: criteria provided, single submitter (1 of 4 stars). 2 submissions from 2 submitters: Uncertain significance (1). 1 of the submissions does not count toward it. Last evaluated 2021-08-05.

Conditions:
Joubert syndrome. Also called: JOUBERT-BOLTSHAUSER SYNDROME; Familial aplasia of the vermis. Identifiers: Orphanet 475, MedGen C5979921, MONDO:0018772.
INPP5E-related disorder. Also called: INPP5E-related condition.

Allele frequency attached by ClinVar (database versions not stated): gnomAD 0.00002; TOPMed 0.00002.

Submissions (2):

Labcorp Genetics (formerly Invitae), Labcorp
Classification: Uncertain significance for Joubert syndrome. Last evaluated: 2021-08-05. Review status: criteria provided, single submitter. Criteria: Invitae Variant Classification Sherloc (09022015). Collection method: clinical testing. Allele origin: germline.
Comment: This variant occurs in a non-coding region of the INPP5E gene. It does not change the encoded amino acid sequence of the INPP5E protein. The frequency data for this variant in the population databases is considered unreliable, as metrics indicate insufficient coverage at this position in the ExAC database. This variant has not been reported in the literature in individuals affected with INPP5E-related conditions. This variant is also known as c.-7_2dup (p.Met1?). Experimental studies and prediction algorithms are not available or were not evaluated, and the functional significance of this variant is currently unknown. In summary, the available evidence is currently insufficient to determine the role of this variant in disease. Therefore, it has been classified as a Variant of Uncertain Significance.

PreventionGenetics, part of Exact Sciences
Classification: Uncertain significance for INPP5E-related condition. Last evaluated: 2024-04-09. Review status: no assertion criteria provided. Collection method: clinical testing. Allele origin: germline. Not counted in ClinVar's aggregate classification.
Comment: The INPP5E c.-7_2dup9 variant is located in the 5' untranslated region. To our knowledge, this variant has not been reported in the literature. This variant is reported in 0.023% of alleles in individuals of African descent in gnomAD. At this time, the clinical significance is uncertain due to the absence of conclusive functional and genetic evidence.